The following is an entry in ClinVar:

ClinVar aggregate classification (germline): Benign/Likely benign. Review status: criteria provided, multiple submitters, no conflicts (2 of 4 stars). 6 submissions from 6 submitters: Benign (1); Likely benign (5). Last evaluated 2025-08-25.

Conditions:
Familial cancer of breast. Also called: Hereditary breast cancer; hereditary breast carcinoma; BREAST CANCER, FAMILIAL. Identifiers: Orphanet 227535, MedGen C0346153, MONDO:0016419, OMIM 114480. Disease mechanism: loss of function.
Hereditary cancer-predisposing syndrome. Also called: Hereditary neoplastic syndrome; Tumor predisposition; Hereditary Cancer Syndrome; Neoplastic Syndromes, Hereditary. Identifiers: Orphanet 140162, MedGen C0027672, MeSH D009386, MONDO:0015356.

Allele frequency attached by ClinVar (database versions not stated): gnomAD exomes below 0.00001; ExAC 0.00001.

Submissions (6):

Labcorp Genetics (formerly Invitae), Labcorp
Classification: Likely benign for Familial cancer of breast. Last evaluated: 2025-08-25. Review status: criteria provided, single submitter. Criteria: Invitae Variant Classification Sherloc (09022015). Collection method: clinical testing. Allele origin: germline.

Myriad Genetics, Inc.
Classification: Benign for Familial cancer of breast. Last evaluated: 2024-10-03. Review status: criteria provided, single submitter. Criteria: Myriad Autosomal Dominant, Autosomal Recessive and X-Linked Classification Criteria (2023). Collection method: clinical testing. Allele origin: unknown.
Comment: This variant is considered benign. This variant is a silent/synonymous amino acid change and it is not expected to impact splicing.

Women's Health and Genetics/Laboratory Corporation of America, LabCorp
Classification: Likely benign. Last evaluated: 2020-01-31. Review status: criteria provided, single submitter. Criteria: LabCorp Variant Classification Summary - May 2015. Collection method: clinical testing. Allele origin: germline.

GeneDx
Classification: Likely benign. Last evaluated: 2019-08-27. Review status: criteria provided, single submitter. Criteria: GeneDx Variant Classification Process June 2021. Collection method: clinical testing. Allele origin: germline. Affected: yes.

Ambry Genetics
Classification: Likely benign for Hereditary cancer-predisposing syndrome. Last evaluated: 2018-01-11. Review status: criteria provided, single submitter. Criteria: Ambry Variant Classification Scheme 2023. Collection method: clinical testing. Allele origin: germline.

Color Diagnostics, LLC DBA Color Health
Classification: Likely benign for Hereditary cancer-predisposing syndrome. Last evaluated: 2017-03-03. Review status: criteria provided, single submitter. Criteria: ACMG Guidelines, 2015. Collection method: clinical testing. Allele origin: germline.

NM_007194.4(CHEK2):c.765G>A (p.Lys255=)

Gene: CHEK2 (checkpoint kinase 2; minus strand). Cytogenetic location: 22q12.1.
Variant type: single nucleotide variant.
Coding change: c.765G>A on transcript NM_007194.4 (MANE Select); coding-DNA position 765, G replaced by A.
Protein change: p.Lys255=; no amino-acid change (lysine 255 retained).
Molecular consequence: synonymous variant.
Genome position (GRCh38, 1-based): chr22:28,711,936, C>T on the plus strand (G>A on the coding strand, the complement: CHEK2 is on the minus strand). VCF-style: chr22-28711936-C-T. GRCh37 (hg19) VCF-style: chr22-29107924-C-T.
Other names: c.894G>A, p.Lys298= (NM_001005735.3); c.102G>A, p.Lys34= (NM_001257387.3); c.564G>A, p.Lys188= (NM_001349956.3); c.765G>A, p.Lys255= (NM_145862.3).
Identifiers: ClinVar variation 491636 (VCV000491636.23), dbSNP rs750596640, ClinGen allele CA10167881.